The following is an entry in ClinVar:

ClinVar aggregate classification (germline): Uncertain significance (1 of 4 stars; one submission).

Allele frequency attached by ClinVar (database versions not stated): ExAC 0.00001; gnomAD exomes 0.00002; TOPMed 0.00002; gnomAD 0.00003; ESP Exome Variant Server 0.00008.
gnomAD v4.1: 31 of 1,612,040 alleles (0.0019%); highest among the groups gnomAD compares: Non-Finnish European, 0.0026%; no homozygotes.

Submission:

Labcorp Genetics (formerly Invitae), Labcorp
Classification: Uncertain significance. Last evaluated: 2022-04-12. Review status: criteria provided, single submitter. Criteria: Invitae Variant Classification Sherloc (09022015). Collection method: clinical testing. Allele origin: germline.
Comment: This sequence change replaces alanine, which is neutral and non-polar, with threonine, which is neutral and polar, at codon 1248 of the SI protein (p.Ala1248Thr). This variant is present in population databases (rs374119940, gnomAD 0.004%). This variant has not been reported in the literature in individuals affected with SI-related conditions. Advanced modeling of protein sequence and biophysical properties (such as structural, functional, and spatial information, amino acid conservation, physicochemical variation, residue mobility, and thermodynamic stability) performed at Invitae indicates that this missense variant is not expected to disrupt SI protein function. In summary, the available evidence is currently insufficient to determine the role of this variant in disease. Therefore, it has been classified as a Variant of Uncertain Significance.

NM_001041.4(SI):c.3742G>A (p.Ala1248Thr)

Gene: SI (sucrase-isomaltase; minus strand). Cytogenetic location: 3q26.1.
Variant type: single nucleotide variant.
Coding change: c.3742G>A on transcript NM_001041.4 (MANE Select); coding-DNA position 3742, G replaced by A.
Protein change: p.Ala1248Thr; replaces alanine 1248 with threonine.
Molecular consequence: missense variant.
Genome position (GRCh38, 1-based): chr3:165,017,565, C>T on the plus strand (G>A on the coding strand, the complement: SI is on the minus strand). VCF-style: chr3-165017565-C-T. GRCh37 (hg19) VCF-style: chr3-164735353-C-T.
Other names: short protein forms A1248T.
Identifiers: ClinVar variation 2175723 (VCV002175723.1), dbSNP rs374119940, ClinGen allele CA2690155.
Genomic context (GRCh38, chr3:165,017,565, plus strand): 5'-ACGTATTCCATATTTAACATTGTTTTAAAATTGATATACATACATAGGGGATGTTAGCAG[C>T]CACCATAGCGTCATATAATTCCCGAACCTCTGAAGTATTTGCATATCCATAACGACATAA-3'
Protein context (NP_001032.2, residues 1238-1258): EVRELYDAMV[Ala1248Thr]ANIPYDVQYT